The following is an entry in ClinVar:

NM_015378.4(VPS13D):c.8083G>T (p.Ala2695Ser)

Gene: VPS13D (vacuolar protein sorting 13 homolog D; plus strand). Cytogenetic location: 1p36.22.
Variant type: single nucleotide variant.
Coding change: c.8083G>T on transcript NM_015378.4 (MANE Select); coding-DNA position 8083, G replaced by T.
Protein change: p.Ala2695Ser; replaces alanine 2695 with serine.
Molecular consequence: missense variant.
Genome position (GRCh38, 1-based): chr1:12,327,740, G>T. VCF-style: chr1-12327740-G-T. GRCh37 (hg19) VCF-style: chr1-12387797-G-T.
Other names: p.Ala2695Ser; c.8083G>T, p.Ala2695Ser (NM_018156.4); short protein forms A2695S.
Identifiers: ClinVar variation 1515085 (VCV001515085.7), dbSNP rs199578459, ClinGen allele CA603004.

ClinVar aggregate classification (germline): Uncertain significance. Review status: criteria provided, multiple submitters, no conflicts (2 of 4 stars). 2 submissions from 2 submitters: Uncertain significance (2). Last evaluated 2025-10-22.

Allele frequency attached by ClinVar (database versions not stated): gnomAD 0.00016; ESP Exome Variant Server 0.00023; TOPMed 0.00024; gnomAD exomes 0.00025; ExAC 0.00026.
gnomAD v4.1: 528 of 1,614,052 alleles (0.033%); highest among the groups gnomAD compares: Non-Finnish European, 0.041%; no homozygotes.

Submissions (3):

Labcorp Genetics (formerly Invitae), Labcorp
Classification: Uncertain significance. Last evaluated: 2025-10-22. Review status: criteria provided, single submitter. Criteria: Invitae Variant Classification Sherloc (09022015). Collection method: clinical testing. Allele origin: germline.
Comment: This sequence change replaces alanine, which is neutral and non-polar, with serine, which is neutral and polar, at codon 2695 of the VPS13D protein (p.Ala2695Ser). This variant is present in population databases (rs199578459, gnomAD 0.04%). This variant has not been reported in the literature in individuals affected with VPS13D-related conditions. ClinVar contains an entry for this variant (Variation ID: 1515085). Invitae Evidence Modeling of protein sequence and biophysical properties (such as structural, functional, and spatial information, amino acid conservation, physicochemical variation, residue mobility, and thermodynamic stability) indicates that this missense variant is not expected to disrupt VPS13D protein function with a negative predictive value of 80%. In summary, the available evidence is currently insufficient to determine the role of this variant in disease. Therefore, it has been classified as a Variant of Uncertain Significance.

Mayo Clinic Laboratories, Mayo Clinic
Classification: Uncertain significance. Last evaluated: 2025-07-14. Review status: criteria provided, single submitter. Criteria: ACMG Guidelines, 2015. Collection method: clinical testing. Allele origin: germline. Observed: 4 variant alleles.
Comment: BP4_moderate

Dr. Peter K. Rogan Lab, Western University
No classification provided (evidence only). Condition: Colon adenocarcinoma. Review status: no classification provided. Collection method: in vitro. Allele origin: not applicable. Functional consequence: retained intron. Not counted in ClinVar's aggregate classification.